The following is an entry in ClinVar:

ClinVar aggregate classification (germline): Uncertain significance (1 of 4 stars; one submission).

Submission:

Labcorp Genetics (formerly Invitae), Labcorp
Classification: Uncertain significance. Last evaluated: 2022-08-19. Review status: criteria provided, single submitter. Criteria: Invitae Variant Classification Sherloc (09022015). Collection method: clinical testing. Allele origin: germline.
Comment: This sequence change replaces glycine, which is neutral and non-polar, with serine, which is neutral and polar, at codon 462 of the MBTPS1 protein (p.Gly462Ser). This variant is not present in population databases (gnomAD no frequency). This variant has not been reported in the literature in individuals affected with MBTPS1-related conditions. Algorithms developed to predict the effect of missense changes on protein structure and function (SIFT, PolyPhen-2, Align-GVGD) all suggest that this variant is likely to be disruptive. In summary, the available evidence is currently insufficient to determine the role of this variant in disease. Therefore, it has been classified as a Variant of Uncertain Significance.

NM_003791.4(MBTPS1):c.1384G>A (p.Gly462Ser)

Gene: MBTPS1 (membrane bound transcription factor peptidase, site 1; minus strand). Cytogenetic location: 16q23.3.
Variant type: single nucleotide variant.
Coding change: c.1384G>A on transcript NM_003791.4 (MANE Select); coding-DNA position 1384, G replaced by A.
Protein change: p.Gly462Ser; replaces glycine 462 with serine.
Molecular consequence: missense variant.
Genome position (GRCh38, 1-based): chr16:84,081,811, C>T on the plus strand (G>A on the coding strand, the complement: MBTPS1 is on the minus strand). VCF-style: chr16-84081811-C-T. GRCh37 (hg19) VCF-style: chr16-84115416-C-T.
Other names: short protein forms G462S.
Identifiers: ClinVar variation 1978291 (VCV001978291.4), dbSNP rs2507788115, ClinGen allele CA396934033.